The following is an entry in ClinVar:

ClinVar aggregate classification (germline): Likely pathogenic (1 of 4 stars; one submission).

Conditions:
Cardiovascular phenotype. Identifiers: MedGen CN230736.

gnomAD v4.1: 1 of 1,597,456 alleles (0.000063%); highest among the groups gnomAD compares: South Asian, 0.0011%; no homozygotes.

Submission:

Ambry Genetics
Classification: Likely pathogenic for Cardiovascular phenotype. Last evaluated: 2025-10-27. Review status: criteria provided, single submitter. Criteria: Ambry Variant Classification Scheme 2023. Collection method: clinical testing. Allele origin: germline.
Comment: The p.Q761* variant (also known as c.2281C>T), located in coding exon 14 of the DSG2 gene, results from a C to T substitution at nucleotide position 2281. This changes the amino acid from a glutamine to a stop codon within coding exon 14. This alteration occurs at the 3' terminus of the gene, is not expected to trigger nonsense-mediated mRNA decay, and impacts the last 32% of the protein. However, premature stop codons are typically deleterious in nature and a significant portion of the protein is affected (Ambry internal data). This variant is considered to be rare based on population cohorts in the Genome Aggregation Database (gnomAD). Based on the majority of available evidence to date, this variant is likely to be pathogenic.

NM_001943.5(DSG2):c.2281C>T (p.Gln761Ter)

Genes: DSG2 (desmoglein 2; plus strand), DSG2-AS1 (DSG2 antisense RNA 1; minus strand). Cytogenetic location: 18q12.1.
Variant type: single nucleotide variant.
Coding change: c.2281C>T on transcript NM_001943.5 (MANE Select); coding-DNA position 2281, C replaced by T.
Protein change: p.Gln761Ter; replaces glutamine 761 with a stop codon.
Molecular consequence: nonsense.
Genome position (GRCh38, 1-based): chr18:31,542,799, C>T. VCF-style: chr18-31542799-C-T. GRCh37 (hg19) VCF-style: chr18-29122762-C-T.
Other names: short protein forms Q761*.
Identifiers: ClinVar variation 4614013 (VCV004614013.1).